The following is an entry in ClinVar:

NM_006279.5(ST3GAL3):c.594C>T (p.Asp198=)

Gene: ST3GAL3 (ST3 beta-galactoside alpha-2,3-sialyltransferase 3; plus strand). Cytogenetic location: 1p34.1.
Variant type: single nucleotide variant.
Coding change: c.594C>T on transcript NM_006279.5 (MANE Select); coding-DNA position 594, C replaced by T.
Protein change: p.Asp198=; no amino-acid change (aspartic acid 198 retained).
Molecular consequence: synonymous variant. On other transcripts: non-coding transcript variant (5), intron variant (7).
Genome position (GRCh38, 1-based): chr1:43,899,577, C>T. VCF-style: chr1-43899577-C-T. GRCh37 (hg19) VCF-style: chr1-44365249-C-T.
Other names: c.594C>T, p.Asp198= (NM_001270459.2, NM_001350620.2, NM_174966.4); c.501C>T, p.Asp167= (NM_001270460.2); c.546C>T, p.Asp182= (NM_001270461.3, NM_174969.4); c.453C>T, p.Asp151= (NM_001270462.3); c.639C>T, p.Asp213= (NM_001350619.2, NM_174964.4); c.315C>T, p.Asp105= (NM_001350621.2); c.756C>T, p.Asp252= (NM_001363573.2, NM_174968.5); c.801C>T, p.Asp267= (NM_174963.5); and 8 more.
Identifiers: ClinVar variation 436875 (VCV000436875.18), dbSNP rs199996868, ClinGen allele CA814763.

ClinVar aggregate classification (germline): Likely benign. Review status: criteria provided, multiple submitters, no conflicts (2 of 4 stars). 4 submissions from 4 submitters: Likely benign (4). Last evaluated 2026-08-01.

Conditions:
Early-infantile DEE. Also called: Early infantile epileptic encephalopathy with suppression bursts; Early infantile epileptic encephalopathy; Ohtahara syndrome. Identifiers: Orphanet 1934, MedGen C0393706, MONDO:0800491.

Allele frequency attached by ClinVar (database versions not stated): gnomAD 0.00002 and 0.00003; TOPMed 0.00003; gnomAD exomes 0.00006; ExAC 0.00009.
gnomAD v4.1: 68 of 1,613,798 alleles (0.0042%); highest among the groups gnomAD compares: South Asian, 0.026%; no homozygotes.

Submissions (4):

CeGaT Center for Human Genetics Tuebingen
Classification: Likely benign. Last evaluated: 2026-08-01. Review status: criteria provided, single submitter. Criteria: CeGaT Center For Human Genetics Tuebingen Variant Classification Criteria Version 2. Collection method: clinical testing. Allele origin: germline. Affected: yes. Observed: 1 variant allele.
Comment: ST3GAL3: BP4, BP7

Labcorp Genetics (formerly Invitae), Labcorp
Classification: Likely benign for Early-infantile DEE. Last evaluated: 2024-10-24. Review status: criteria provided, single submitter. Criteria: Invitae Variant Classification Sherloc (09022015). Collection method: clinical testing. Allele origin: germline.

Blueprint Genetics
Classification: Likely benign. Last evaluated: 2024-09-18. Review status: criteria provided, single submitter. Criteria: ACMG Guidelines, 2015. Collection method: clinical testing. Allele origin: germline.

Genetic Services Laboratory, University of Chicago
Classification: Likely benign. Last evaluated: 2016-06-27. Review status: criteria provided, single submitter. Criteria: ACMG Guidelines, 2015. Collection method: clinical testing. Allele origin: germline. Affected: no.